The following is an entry in ClinVar:

NM_001099857.5(IKBKG):c.1110dup (p.Ala371fs)

Gene: IKBKG (inhibitor of nuclear factor kappa B kinase regulatory subunit gamma; plus strand). Cytogenetic location: Xq28.
Variant type: Duplication.
Coding change: c.1110dup on transcript NM_001099857.5 (MANE Select); coding-DNA position 1110, one base duplicated (C; older notation c.1110dupC).
Protein change: p.Ala371fs; shifts the reading frame from alanine 371.
Molecular consequence: frameshift variant. On other transcripts: non-coding transcript variant (1).
Genome position (GRCh38, 1-based): chrX:154,564,013, C duplicated; the last of 6 consecutive C bases (chrX:154,564,008-154,564,013); duplicating any one gives the same sequence. VCF-style (leftmost placement, unchanged base first): chrX-154564007-G-GC. GRCh37 (hg19) VCF-style: chrX-153792222-G-GC.
Other names: c.1314dup, p.Ala439fs (NM_001099856.6); c.813dup, p.Ala272fs (NM_001145255.4); c.1110dup, p.Ala371fs (NM_001321396.3, NM_001377312.1, NM_003639.4); c.1107dup, p.Ala370fs (NM_001321397.3, NM_001377313.1); c.954dup, p.Ala319fs (NM_001377314.1); c.741dup, p.Ala248fs (NM_001377315.1); c.1110dup (NM_003639.3); c.1110dupC (NM_001099857.2); short protein forms A439fs, A272fs, A370fs, A371fs, A248fs, A319fs.
Identifiers: ClinVar variation 11448 (VCV000011448.5), dbSNP rs1569556615, ClinGen allele CA913184765.

ClinVar aggregate classification (germline): Pathogenic. Review status: criteria provided, single submitter (1 of 4 stars). 2 submissions from 2 submitters: Pathogenic (1). 1 of the submissions does not count toward it. Last evaluated 2025-10-17.

Conditions:
Incontinentia pigmenti syndrome (IP). Also called: BLOCH-SULZBERGER SYNDROME; INCONTINENTIA PIGMENTI, TYPE II; Incontinentia Pigmenti; INCONTINENTIA PIGMENTI, FAMILIAL MALE-LETHAL TYPE. Identifiers: Orphanet 464, MedGen C0021171, MONDO:0010631, OMIM 308300.

Submissions (2):

GeneDx
Classification: Pathogenic. Last evaluated: 2025-10-17. Review status: criteria provided, single submitter. Criteria: GeneDx Variant Classification Process June 2021. Collection method: clinical testing. Allele origin: germline.
Comment: Frameshift variant predicted to result in protein truncation, as the last 49 amino acids are replaced with 23 different amino acids, and other loss-of-function variants have been reported downstream (HGMD; PMID: 28702714, 22517901, 11179023); No data available from control populations to assess the frequency of this variant; This variant is associated with the following publications: (PMID: 24339369, 10839543, 18350553, 39352576, 28702714, 22517901, 11179023)

OMIM
Classification: Pathogenic for INCONTINENTIA PIGMENTI. Last evaluated: 2000-05-25. Review status: no assertion criteria provided. Collection method: literature only. Allele origin: germline. Not counted in ClinVar's aggregate classification.

Literature cited by the submitters: PubMed 10839543 (cited by OMIM).